The following is an entry in ClinVar:

ClinVar aggregate classification (germline): Uncertain significance (1 of 4 stars; one submission).

Submission:

Labcorp Genetics (formerly Invitae), Labcorp
Classification: Uncertain significance. Last evaluated: 2024-10-24. Review status: criteria provided, single submitter. Criteria: Invitae Variant Classification Sherloc (09022015). Collection method: clinical testing. Allele origin: germline.
Comment: This variant, c.20_25dup, results in the insertion of 2 amino acid(s) of the TGFB1 protein (p.Arg7_Leu8dup), but otherwise preserves the integrity of the reading frame. This variant is not present in population databases (gnomAD no frequency). This variant has not been reported in the literature in individuals affected with TGFB1-related conditions. Experimental studies and prediction algorithms are not available or were not evaluated, and the functional significance of this variant is currently unknown. In summary, the available evidence is currently insufficient to determine the role of this variant in disease. Therefore, it has been classified as a Variant of Uncertain Significance.

NM_000660.7(TGFB1):c.14GGCTGC[3] (p.Arg7_Leu8dup)

Gene: TGFB1 (transforming growth factor beta 1; minus strand). Cytogenetic location: 19q13.2.
Variant type: Microsatellite.
Coding change: c.14GGCTGC[3] on transcript NM_000660.7 (MANE Select); three copies in a row of the 6-base unit GGCTGC starting at c.14; the reference has two copies in a row; one copy, 6 bases duplicated.
Protein change: p.Arg7_Leu8dup.
Molecular consequence: inframe insertion.
Genome position (GRCh38, 1-based): chr19:41,353,020-41,353,025, GCAGCC duplicated on the plus strand (GGCTGC on the coding strand, the reverse complement: TGFB1 is on the minus strand); duplicating any 6 consecutive bases within chr19:41,353,020-41,353,031 gives the same sequence; the position shown is the placement nearest the transcript's 3' end. VCF-style (leftmost placement, unchanged base first): chr19-41353019-A-AGCAGCC. GRCh37 (hg19) VCF-style: chr19-41858924-A-AGCAGCC.
Identifiers: ClinVar variation 1375990 (VCV001375990.6), dbSNP rs1406326686, ClinGen allele CA633167717.